The following is an entry in ClinVar:

ClinVar aggregate classification (germline): Conflicting classifications of pathogenicity. Review status: criteria provided, conflicting classifications (1 of 4 stars). 2 submissions from 2 submitters: Uncertain significance (1); Benign (1). Last evaluated 2026-02-01.

Conditions:
Retinitis pigmentosa (RP). Identifiers: Orphanet 791, MedGen C0035334, MeSH D012174, MONDO:0019200, OMIM 268000. Inheritance: Autosomal dominant, autosomal recessive and X linked inheritance.

Allele frequency attached by ClinVar (database versions not stated): gnomAD 0.00896; 1000 Genomes Project 0.00919; 1000 Genomes Project 30x 0.00921; ESP Exome Variant Server 0.00932; TOPMed 0.01113.
gnomAD v4.1: 2,958 of 1,614,142 alleles (0.18%); highest among the groups gnomAD compares: African/African-American, 3.3%; 41 homozygotes.

Submissions (2):

Labcorp Genetics (formerly Invitae), Labcorp
Classification: Benign. Last evaluated: 2026-02-01. Review status: criteria provided, single submitter. Criteria: Invitae Variant Classification Sherloc (09022015). Collection method: clinical testing. Allele origin: germline.

Illumina Laboratory Services, Illumina
Classification: Uncertain significance for Retinitis pigmentosa. Last evaluated: 2017-04-28. Review status: criteria provided, single submitter. Criteria: ICSL Variant Classification Criteria 13 December 2019. Collection method: clinical testing. Allele origin: germline.
Comment: This variant was observed as part of a predisposition screen in an ostensibly healthy population. A literature search was performed for the gene, cDNA change, and amino acid change (where applicable). Publications were found based on this search. However, the evidence from the literature, in combination with allele frequency data from public databases where available, was not sufficient to rule this variant in or out of causing disease. Therefore, this variant is classified as a variant of unknown significance.

Literature cited by the submitters: PubMed 21412943 (cited by Illumina Laboratory Services, Illumina); PubMed 20811058 (cited by Illumina Laboratory Services, Illumina).

NM_001029883.3(PCARE):c.740T>C (p.Val247Ala)

Gene: PCARE (photoreceptor cilium actin regulator; minus strand). Cytogenetic location: 2p23.2.
Variant type: single nucleotide variant.
Coding change: c.740T>C on transcript NM_001029883.3 (MANE Select); coding-DNA position 740, T replaced by C.
Protein change: p.Val247Ala; replaces valine 247 with alanine.
Molecular consequence: missense variant.
Genome position (GRCh38, 1-based): chr2:29,073,522, A>G on the plus strand (T>C on the coding strand, the complement: PCARE is on the minus strand). VCF-style: chr2-29073522-A-G. GRCh37 (hg19) VCF-style: chr2-29296388-A-G.
Other names: short protein forms V247A.
Identifiers: ClinVar variation 780344 (VCV000780344.14), dbSNP rs77828062, ClinGen allele CA1592587.